The following is an entry in ClinVar:

NM_001846.4(COL4A2):c.4456G>A (p.Val1486Ile)

Genes: COL4A2 (collagen type IV alpha 2 chain; plus strand), COL4A2-AS1 (COL4A2 antisense RNA 1; minus strand). Cytogenetic location: 13q34.
Variant type: single nucleotide variant.
Coding change: c.4456G>A on transcript NM_001846.4 (MANE Select); coding-DNA position 4456, G replaced by A.
Protein change: p.Val1486Ile; replaces valine 1486 with isoleucine.
Molecular consequence: missense variant.
Genome position (GRCh38, 1-based): chr13:110,506,468, G>A. VCF-style: chr13-110506468-G-A. GRCh37 (hg19) VCF-style: chr13-111158815-G-A.
Other names: short protein forms V1486I.
Identifiers: ClinVar variation 311179 (VCV000311179.18), dbSNP rs201426733, ClinGen allele CA7050549.
Genomic context (GRCh38, chr13:110,506,468, plus strand): 5'-GCTGCAGGTGCACCAGGCCGTCCAGGGAGCCCGGGCCTGCCGGGTATGCCAGGCCGCAGC[G>A]TCAGCATCGGCTACCTCCTGGTGAAGCACAGCCAGACGGACCAGGAGCCCATGTGCCCAG-3'
Protein context (NP_001837.2, residues 1476-1496): PGLPGMPGRS[Val1486Ile]SIGYLLVKHS

ClinVar aggregate classification (germline): Benign/Likely benign. Review status: criteria provided, multiple submitters, no conflicts (2 of 4 stars). 5 submissions from 5 submitters: Benign (1); Likely benign (3). 1 of the submissions does not count toward it. Last evaluated 2025-06-03.

Conditions:
Brain small vessel disease 2A, autosomal dominant. Also called: Porencephaly 2. Identifiers: Orphanet 2940, Orphanet 99810, MedGen C3280970, MONDO:0013773, OMIM 614483.
COL4A2-related disorder. Also called: COL4A2-related disorders; COL4A2-related condition.
Inborn genetic diseases. Identifiers: MedGen C0950123, MeSH D030342.

Allele frequency attached by ClinVar (database versions not stated): gnomAD 0.00011 and 0.00017; TOPMed 0.00013; ESP Exome Variant Server 0.00016; gnomAD exomes 0.00017 and 0.00024; 1000 Genomes Project 30x 0.00031; ExAC 0.00038; 1000 Genomes Project 0.00040.
gnomAD v4.1: 274 of 1,612,942 alleles (0.017%); highest among the groups gnomAD compares: East Asian, 0.43%; 2 homozygotes.

Submissions (5):

Labcorp Genetics (formerly Invitae), Labcorp
Classification: Likely benign. Last evaluated: 2025-06-03. Review status: criteria provided, single submitter. Criteria: Invitae Variant Classification Sherloc (09022015). Collection method: clinical testing. Allele origin: germline.

Blueprint Genetics
Classification: Likely benign. Last evaluated: 2024-11-27. Review status: criteria provided, single submitter. Criteria: ACMG Guidelines, 2015. Collection method: clinical testing. Allele origin: germline.

Ambry Genetics
Classification: Likely benign for Inborn genetic diseases. Last evaluated: 2023-06-22. Review status: criteria provided, single submitter. Criteria: Ambry Variant Classification Scheme 2023. Collection method: clinical testing. Allele origin: germline.

Illumina Laboratory Services, Illumina
Classification: Benign for Brain small vessel disease 2A, autosomal dominant. Last evaluated: 2018-01-13. Review status: criteria provided, single submitter. Criteria: ICSL Variant Classification Criteria 13 December 2019. Collection method: clinical testing. Allele origin: germline.
Comment: This variant was observed in the ICSL laboratory as part of a predisposition screen in an ostensibly healthy population. It had not been previously curated by ICSL or reported in the Human Gene Mutation Database (HGMD: prior to June 1st, 2018), and was therefore a candidate for classification through an automated scoring system. Utilizing variant allele frequency, disease prevalence and penetrance estimates, and inheritance mode, an automated score was calculated to assess if this variant is too frequent to cause the disease. Based on the score and internal cut-off values, a variant classified as benign is not then subjected to further curation. The score for this variant resulted in a classification of benign for this disease.

PreventionGenetics, part of Exact Sciences
Classification: Likely benign for COL4A2-related condition. Last evaluated: 2021-12-15. Review status: no assertion criteria provided. Collection method: clinical testing. Allele origin: germline. Not counted in ClinVar's aggregate classification.
Comment: This variant is classified as likely benign based on ACMG/AMP sequence variant interpretation guidelines (Richards et al. 2015 PMID: 25741868, with internal and published modifications).